The following is an entry in ClinVar:

ClinVar aggregate classification (germline): Uncertain significance (1 of 4 stars; one submission).

Submission:

GeneDx
Classification: Uncertain significance. Last evaluated: 2024-02-20. Review status: criteria provided, single submitter. Criteria: GeneDx Variant Classification Process June 2021. Collection method: clinical testing. Allele origin: germline. Affected: yes.
Comment: Not observed at significant frequency in large population cohorts (gnomAD); In silico analysis supports that this missense variant does not alter protein structure/function; Has not been previously published as pathogenic or benign to our knowledge

NM_001164760.2(PRKAR1B):c.478G>C (p.Ala160Pro)

Genes: PRKAR1B (protein kinase cAMP-dependent type I regulatory subunit beta; minus strand), PRKAR1B-AS1 (PRKAR1B antisense RNA 1; plus strand). Cytogenetic location: 7p22.3.
Variant type: single nucleotide variant.
Coding change: c.478G>C on transcript NM_001164760.2 (MANE Select); coding-DNA position 478, G replaced by C.
Protein change: p.Ala160Pro; replaces alanine 160 with proline.
Molecular consequence: missense variant.
Genome position (GRCh38, 1-based): chr7:607,415, C>G on the plus strand (G>C on the coding strand, the complement: PRKAR1B is on the minus strand). VCF-style: chr7-607415-C-G. GRCh37 (hg19) VCF-style: chr7-647052-C-G.
Other names: c.478G>C, p.Ala160Pro (NM_001164758.2, NM_001164759.1, NM_001164761.2 and 2 more transcripts); short protein forms A160P.
Identifiers: ClinVar variation 3369537 (VCV003369537.1).
Genomic context (GRCh38, chr7:607,415, plus strand): 5'-TCTGGACTTTGGCTCCGAGGAGCAGGCAGAACGTACCTTGCTGTATAACAGTCTCCCCAG[C>G]GATGTGAGTGACAGGGAACATGGCATCGAATATGTCACTGAAAAGCAAAACACGCCAAAT-3'
Protein context (NP_001158232.1, residues 150-170): FDAMFPVTHI[Ala160Pro]GETVIQQGNE